The following is an entry in ClinVar:

ClinVar aggregate classification (germline): Uncertain significance (1 of 4 stars; one submission).

Allele frequency attached by ClinVar (database versions not stated): TOPMed 0.00001.
gnomAD v4.1: 3 of 1,614,026 alleles (0.00019%); highest among the groups gnomAD compares: Admixed American, 0.005%; no homozygotes.

Submission:

Labcorp Genetics (formerly Invitae), Labcorp
Classification: Uncertain significance. Last evaluated: 2023-12-25. Review status: criteria provided, single submitter. Criteria: Invitae Variant Classification Sherloc (09022015). Collection method: clinical testing. Allele origin: germline.
Comment: This sequence change replaces phenylalanine, which is neutral and non-polar, with leucine, which is neutral and non-polar, at codon 1175 of the KANK1 protein (p.Phe1175Leu). This variant is present in population databases (no rsID available, gnomAD 0.006%). This variant has not been reported in the literature in individuals affected with KANK1-related conditions. Advanced modeling of protein sequence and biophysical properties (such as structural, functional, and spatial information, amino acid conservation, physicochemical variation, residue mobility, and thermodynamic stability) performed at Invitae indicates that this missense variant is expected to disrupt KANK1 protein function with a positive predictive value of 80%. In summary, the available evidence is currently insufficient to determine the role of this variant in disease. Therefore, it has been classified as a Variant of Uncertain Significance.

NM_015158.5(KANK1):c.3525C>A (p.Phe1175Leu)

Genes: KANK1 (KN motif and ankyrin repeat domains 1; plus strand), LOC126860554 (MED14-independent group 3 enhancer GRCh37_chr9:737889-739088; plus strand). Cytogenetic location: 9p24.3.
Variant type: single nucleotide variant.
Coding change: c.3525C>A on transcript NM_015158.5 (MANE Select); coding-DNA position 3525, C replaced by A.
Protein change: p.Phe1175Leu; replaces phenylalanine 1175 with leucine.
Molecular consequence: missense variant. On other transcripts: non-coding transcript variant (1).
Genome position (GRCh38, 1-based): chr9:738,476, C>A. VCF-style: chr9-738476-C-A. GRCh37 (hg19) VCF-style: chr9-738476-C-A.
Other names: c.3525C>A, p.Phe1175Leu (NM_001256876.3, NM_001256877.3, NM_001354334.2); c.3285C>A, p.Phe1095Leu (NM_001354331.2); c.3471C>A, p.Phe1157Leu (NM_001354332.2); c.3051C>A, p.Phe1017Leu (NM_001354333.2, NM_001354335.2, NM_001354337.2 and 2 more transcripts); c.2757C>A, p.Phe919Leu (NM_001354336.2); c.2997C>A, p.Phe999Leu (NM_001354338.2, NM_001354340.2, NM_001354344.2); c.2811C>A, p.Phe937Leu (NM_001354339.2, NM_001354342.2, NM_001354343.2); short protein forms F1017L, F1095L, F919L, F1157L, F1175L, F937L, F999L.
Identifiers: ClinVar variation 2986405 (VCV002986405.3), dbSNP rs755649471, ClinGen allele CA372759388.
Genomic context (GRCh38, chr9:738,476, plus strand): 5'-CAACTTGGCAGACGGCAACGGCAACACAGCCCTCCATTACAGCGTGTCCCACTCCAACTT[C>A]GAGATTGTGAAGCTGCTGTTAGATGCCGGTATGTTGGCTGCCCTTCCACCCTCTCTTCTC-3'
Protein context (NP_055973.2, residues 1165-1185): ALHYSVSHSN[Phe1175Leu]EIVKLLLDAD